The following is an entry in ClinVar:

ClinVar aggregate classification (germline): Benign/Likely benign. Review status: criteria provided, multiple submitters, no conflicts (2 of 4 stars). 3 submissions from 3 submitters: Benign (1); Likely benign (2). Last evaluated 2025-09-10.

Allele frequency attached by ClinVar (database versions not stated): gnomAD exomes 0.00001 and 0.00002; ExAC 0.00003; gnomAD 0.00010 and 0.00011; TOPMed 0.00020.
gnomAD v4.1: 20 of 1,209,445 alleles (0.0017%); highest among the groups gnomAD compares: African/African-American, 0.035%; no homozygotes.

Submissions (3):

Labcorp Genetics (formerly Invitae), Labcorp
Classification: Benign. Last evaluated: 2025-09-10. Review status: criteria provided, single submitter. Criteria: Invitae Variant Classification Sherloc (09022015). Collection method: clinical testing. Allele origin: germline.

Women's Health and Genetics/Laboratory Corporation of America, LabCorp
Classification: Likely benign. Last evaluated: 2024-06-20. Review status: criteria provided, single submitter. Criteria: LabCorp Variant Classification Summary - May 2015. Collection method: clinical testing. Allele origin: germline.
Comment: Variant summary: NEXMIF c.3460C>A (p.Pro1154Thr) results in a non-conservative amino acid change in the encoded protein sequence. Three of five in-silico tools predict a damaging effect of the variant on protein function. The variant allele was found at a frequency of 1.7e-05 in 1209445 control chromosomes including 5 hemizygotes (gnomAD database v4). This frequency is not significantly higher than estimated for a pathogenic variant in NEXMIF causing Intellectual Developmental Disorder, X-Linked 98, allowing no conclusion about variant significance. To our knowledge, no occurrence of c.3460C>A in individuals affected with Intellectual Developmental Disorder, X-Linked 98 and no experimental evidence demonstrating its impact on protein function have been reported. ClinVar contains an entry for this variant (Variation ID: 845686). Based on the evidence outlined above, the variant was classified as likely benign.

Ambry Genetics
Classification: Likely benign. Last evaluated: 2023-10-27. Review status: criteria provided, single submitter. Criteria: Ambry Variant Classification Scheme 2023. Collection method: clinical testing. Allele origin: germline.

NM_001008537.3(NEXMIF):c.3460C>A (p.Pro1154Thr)

Gene: NEXMIF (neurite extension and migration factor; minus strand). Cytogenetic location: Xq13.3.
Variant type: single nucleotide variant.
Coding change: c.3460C>A on transcript NM_001008537.3 (MANE Select); coding-DNA position 3460, C replaced by A.
Protein change: p.Pro1154Thr; replaces proline 1154 with threonine.
Molecular consequence: missense variant.
Genome position (GRCh38, 1-based): chrX:74,741,097, G>T on the plus strand (C>A on the coding strand, the complement: NEXMIF is on the minus strand). VCF-style: chrX-74741097-G-T. GRCh37 (hg19) VCF-style: chrX-73960932-G-T.
Other names: short protein forms P1154T.
Identifiers: ClinVar variation 845686 (VCV000845686.10), dbSNP rs781129973, ClinGen allele CA10454942.